The following is an entry in ClinVar:

ClinVar aggregate classification (germline): Uncertain significance. Review status: criteria provided, multiple submitters, no conflicts (2 of 4 stars). 2 submissions from 2 submitters: Uncertain significance (2). Last evaluated 2026-03-20.

Conditions:
Juvenile polyposis syndrome (JPS). Identifiers: Orphanet 2929, MedGen C0345893, MONDO:0017380, OMIM 174900.
Hereditary cancer-predisposing syndrome. Also called: Neoplastic Syndromes, Hereditary; Tumor predisposition; Hereditary Cancer Syndrome; Hereditary neoplastic syndrome. Identifiers: Orphanet 140162, MedGen C0027672, MeSH D009386, MONDO:0015356.

Submissions (2):

Ambry Genetics
Classification: Uncertain significance for Hereditary cancer-predisposing syndrome. Last evaluated: 2026-03-20. Review status: criteria provided, single submitter. Criteria: Ambry Variant Classification Scheme 2023. Collection method: clinical testing. Allele origin: germline.
Comment: The p.T328P variant (also known as c.982A>C), located in coding exon 8 of the BMPR1A gene, results from an A to C substitution at nucleotide position 982. The threonine at codon 328 is replaced by proline, an amino acid with highly similar properties. This amino acid position is conserved. In addition, the in silico prediction for this alteration is inconclusive. Based on the available evidence, the clinical significance of this variant remains unclear.

Labcorp Genetics (formerly Invitae), Labcorp
Classification: Uncertain significance for Juvenile polyposis syndrome. Last evaluated: 2021-12-06. Review status: criteria provided, single submitter. Criteria: Invitae Variant Classification Sherloc (09022015). Collection method: clinical testing. Allele origin: germline.
Comment: This variant is not present in population databases (gnomAD no frequency). This variant has not been reported in the literature in individuals affected with BMPR1A-related conditions. Advanced modeling of protein sequence and biophysical properties (such as structural, functional, and spatial information, amino acid conservation, physicochemical variation, residue mobility, and thermodynamic stability) performed at Invitae indicates that this missense variant is not expected to disrupt BMPR1A protein function. In summary, the available evidence is currently insufficient to determine the role of this variant in disease. Therefore, it has been classified as a Variant of Uncertain Significance. This sequence change replaces threonine, which is neutral and polar, with proline, which is neutral and non-polar, at codon 328 of the BMPR1A protein (p.Thr328Pro).

NM_004329.3(BMPR1A):c.982A>C (p.Thr328Pro)

Gene: BMPR1A (bone morphogenetic protein receptor type 1A; plus strand). Cytogenetic location: 10q23.2.
Variant type: single nucleotide variant.
Coding change: c.982A>C on transcript NM_004329.3 (MANE Select); coding-DNA position 982, A replaced by C.
Protein change: p.Thr328Pro; replaces threonine 328 with proline.
Molecular consequence: missense variant.
Genome position (GRCh38, 1-based): chr10:86,919,285, A>C. VCF-style: chr10-86919285-A-C. GRCh37 (hg19) VCF-style: chr10-88679042-A-C.
Other names: c.982A>C (NM_004329.2); short protein forms T328P.
Identifiers: ClinVar variation 1396423 (VCV001396423.7), dbSNP rs2133591098, ClinGen allele CA377460393.
Genomic context (GRCh38, chr10:86,919,285, plus strand): 5'-ATTACTGATTACCATGAAAATGGATCTCTCTATGACTTCCTGAAATGTGCTACACTGGAC[A>C]CCAGAGCCCTGCTTAAATTGGCTTATTCAGCTGCCTGTGGTCTGTGCCACCTGCACACAG-3'
Protein context (NP_004320.2, residues 318-338): YDFLKCATLD[Thr328Pro]RALLKLAYSA